The following is an entry in ClinVar:

NM_006231.4(POLE):c.5143G>C (p.Glu1715Gln)

Gene: POLE (DNA polymerase epsilon, catalytic subunit; minus strand). Cytogenetic location: 12q24.33.
Variant type: single nucleotide variant.
Coding change: c.5143G>C on transcript NM_006231.4 (MANE Select); coding-DNA position 5143, G replaced by C.
Protein change: p.Glu1715Gln; replaces glutamic acid 1715 with glutamine.
Molecular consequence: missense variant.
Genome position (GRCh38, 1-based): chr12:132,642,207, C>G on the plus strand (G>C on the coding strand, the complement: POLE is on the minus strand). VCF-style: chr12-132642207-C-G. GRCh37 (hg19) VCF-style: chr12-133218793-C-G.
Other names: short protein forms E1715Q.
Identifiers: ClinVar variation 642102 (VCV000642102.8), dbSNP rs1368719601, ClinGen allele CA387376729.

ClinVar aggregate classification (germline): Uncertain significance (1 of 4 stars; one submission).

Submission:

Labcorp Genetics (formerly Invitae), Labcorp
Classification: Uncertain significance. Last evaluated: 2018-07-28. Review status: criteria provided, single submitter. Criteria: Invitae Variant Classification Sherloc (09022015). Collection method: clinical testing. Allele origin: germline.
Comment: In summary, the available evidence is currently insufficient to determine the role of this variant in disease. Therefore, it has been classified as a Variant of Uncertain Significance. Algorithms developed to predict the effect of missense changes on protein structure and function (SIFT, PolyPhen-2, Align-GVGD) all suggest that this variant is likely to be tolerated, but these predictions have not been confirmed by published functional studies and their clinical significance is uncertain. This variant has not been reported in the literature in individuals with POLE-related disease. This variant is not present in population databases (ExAC no frequency). This sequence change replaces glutamic acid with glutamine at codon 1715 of the POLE protein (p.Glu1715Gln). The glutamic acid residue is moderately conserved and there is a small physicochemical difference between glutamic acid and glutamine.